The following is an entry in ClinVar:

NM_019098.5(CNGB3):c.715C>T (p.Arg239Cys)

Gene: CNGB3 (cyclic nucleotide gated channel subunit beta 3; minus strand). Cytogenetic location: 8q21.3.
Variant type: single nucleotide variant.
Coding change: c.715C>T on transcript NM_019098.5 (MANE Select); coding-DNA position 715, C replaced by T.
Protein change: p.Arg239Cys; replaces arginine 239 with cysteine.
Molecular consequence: missense variant.
Genome position (GRCh38, 1-based): chr8:86,667,062, G>A on the plus strand (C>T on the coding strand, the complement: CNGB3 is on the minus strand). VCF-style: chr8-86667062-G-A. GRCh37 (hg19) VCF-style: chr8-87679290-G-A.
Other names: short protein forms R239C.
Identifiers: ClinVar variation 754303 (VCV000754303.14), dbSNP rs200019416, ClinGen allele CA4800296.
Genomic context (GRCh38, chr8:86,667,062, plus strand): 5'-TGATGTCCGCAATAAGCCAGTAGTGTATGTTGTCTGCGGTTTGATATGGGAAGACGAGGC[G>A]CAGTGGTATAAAACAGCAGTTCCAGTTATAGGCAAGAGTGACAAGCAAGAGCCACAGGAG-3'
Protein context (NP_061971.3, residues 229-249): YNWNCCFIPL[Arg239Cys]LVFPYQTADN

ClinVar aggregate classification (germline): Benign/Likely benign. Review status: criteria provided, multiple submitters, no conflicts (2 of 4 stars). 4 submissions from 4 submitters: Benign (1); Likely benign (2). 1 of the submissions does not count toward it. Last evaluated 2026-01-27.

Conditions:
CNGB3-related disorder. Also called: CNGB3-related condition; CNGB3-related disorders. Identifiers: MedGen CN239340.
Achromatopsia. Also called: Rod monochromatism. Identifiers: Orphanet 49382, MedGen C0152200, MONDO:0018852, HP:0011516.

Allele frequency attached by ClinVar (database versions not stated): gnomAD exomes 0.00024; ESP Exome Variant Server 0.00008; TOPMed 0.00008; gnomAD 0.00012 and 0.00013; 1000 Genomes Project 30x 0.00016; ExAC 0.00018; 1000 Genomes Project 0.00020.
gnomAD v4.1: 197 of 1,613,988 alleles (0.012%); highest among the groups gnomAD compares: South Asian, 0.12%; 4 homozygotes.

Submissions (4):

Labcorp Genetics (formerly Invitae), Labcorp
Classification: Benign. Last evaluated: 2026-01-27. Review status: criteria provided, single submitter. Criteria: Invitae Variant Classification Sherloc (09022015). Collection method: clinical testing. Allele origin: germline.

PreventionGenetics, part of Exact Sciences
Classification: Likely benign for CNGB3-related condition. Last evaluated: 2024-11-22. Review status: criteria provided, single submitter. Criteria: ACMG Guidelines, 2015. Collection method: clinical testing. Allele origin: germline.
Comment: This variant is classified as likely benign based on ACMG/AMP sequence variant interpretation guidelines (Richards et al. 2015 PMID: 25741868, with internal and published modifications).

Blueprint Genetics
Classification: Likely benign. Last evaluated: 2024-11-07. Review status: criteria provided, single submitter. Criteria: ACMG Guidelines, 2015. Collection method: clinical testing. Allele origin: germline.

Natera, Inc.
Classification: Likely benign for Achromatopsia. Last evaluated: 2020-04-14. Review status: no assertion criteria provided. Collection method: clinical testing. Allele origin: germline. Not counted in ClinVar's aggregate classification.